The following is an entry in ClinVar:

NM_000059.4(BRCA2):c.206del (p.Pro69fs)

Gene: BRCA2 (BRCA2 DNA repair associated; plus strand). Cytogenetic location: 13q13.1.
Variant type: Deletion.
Coding change: c.206del on transcript NM_000059.4 (MANE Select); coding-DNA position 206, one base deleted (C; older notation c.206delC).
Protein change: p.Pro69fs; shifts the reading frame from proline 69.
Molecular consequence: frameshift variant. On other transcripts: 5 prime UTR variant (1), non-coding transcript variant (1).
Genome position (GRCh38, 1-based): chr13:32,319,215, C deleted; the last of 2 consecutive C bases (chr13:32,319,214-32,319,215); deleting either gives the same sequence. VCF-style (leftmost placement, unchanged base first): chr13-32319213-AC-A. GRCh37 (hg19) VCF-style: chr13-32893350-AC-A.
Other names: c.206del, p.Pro69fs (NM_001406719.1, NM_001406720.1, NM_001406721.1); c.-164del (NM_001406722.1); short protein forms P69fs.
Identifiers: ClinVar variation 2451542 (VCV002451542.2), dbSNP rs2548511340, ClinGen allele CA2580087066.
Genomic context (GRCh38, chr13:32,319,213, plus strand): 5'-AGAATCTGAACATAAAAACAACAATTACGAACCAAACCTATTTAAAACTCCACAAAGGAA[AC>A]CATCTTATAATCAGCTGGCTTCAACTCCAATAATATTCAAAGAGCAAGGGCTGACTCTGC-3'

ClinVar aggregate classification (germline): Pathogenic (1 of 4 stars; one submission).

Conditions:
Hereditary cancer-predisposing syndrome. Also called: Neoplastic Syndromes, Hereditary; Tumor predisposition; Hereditary neoplastic syndrome; Hereditary Cancer Syndrome. Identifiers: Orphanet 140162, MedGen C0027672, MeSH D009386, MONDO:0015356.

Submission:

Ambry Genetics
Classification: Pathogenic for Hereditary cancer-predisposing syndrome. Last evaluated: 2023-02-01. Review status: criteria provided, single submitter. Criteria: Ambry Variant Classification Scheme 2023. Collection method: clinical testing. Allele origin: germline.
Comment: The c.206delC pathogenic mutation, located in coding exon 2 of the BRCA2 gene, results from a deletion of one nucleotide at nucleotide position 206, causing a translational frameshift with a predicted alternate stop codon (p.P69Hfs*11). This variant is considered to be rare based on population cohorts in the Genome Aggregation Database (gnomAD). This alteration is expected to result in loss of function by premature protein truncation or nonsense-mediated mRNA decay. As such, this alteration is interpreted as a disease-causing mutation.